The following is an entry in ClinVar:

ClinVar aggregate classification (germline): Uncertain significance (1 of 4 stars; one submission).

Conditions:
Melanoma, cutaneous malignant, susceptibility to, 5. Also called: Cutaneous malignant melanoma 5. Identifiers: Orphanet 618, MedGen C2751295, MONDO:0013133, OMIM 613099.

Allele frequency attached by ClinVar (database versions not stated): gnomAD exomes 0.00001 and 0.00003; ExAC 0.00002; TOPMed 0.00003.

Submission:

Labcorp Genetics (formerly Invitae), Labcorp
Classification: Uncertain significance for Melanoma, cutaneous malignant, susceptibility to, 5. Last evaluated: 2021-07-21. Review status: criteria provided, single submitter. Criteria: Invitae Variant Classification Sherloc (09022015). Collection method: clinical testing. Allele origin: germline.
Comment: In summary, the available evidence is currently insufficient to determine the role of this variant in disease. Therefore, it has been classified as a Variant of Uncertain Significance. Algorithms developed to predict the effect of missense changes on protein structure and function are either unavailable or do not agree on the potential impact of this missense change (SIFT: "Deleterious"; PolyPhen-2: "Benign"; Align-GVGD: "Class C0"). This variant has been observed in individual(s) with melanoma (PMID: 24982914). This variant is present in population databases (rs376709880, ExAC 0.009%). This sequence change replaces valine with methionine at codon 140 of the MC1R protein (p.Val140Met). The valine residue is moderately conserved and there is a small physicochemical difference between valine and methionine.

Literature cited by the submitters: PubMed 24982914.

NM_002386.4(MC1R):c.418G>A (p.Val140Met)

Gene: MC1R (melanocortin 1 receptor; plus strand). Cytogenetic location: 16q24.3.
Variant type: single nucleotide variant.
Coding change: c.418G>A on transcript NM_002386.4 (MANE Select); coding-DNA position 418, G replaced by A.
Protein change: p.Val140Met; replaces valine 140 with methionine.
Molecular consequence: missense variant.
Genome position (GRCh38, 1-based): chr16:89,919,676, G>A. VCF-style: chr16-89919676-G-A. GRCh37 (hg19) VCF-style: chr16-89986084-G-A.
Other names: short protein forms V140M.
Identifiers: ClinVar variation 1366694 (VCV001366694.8), dbSNP rs376709880, ClinGen allele CA8255584.